The following is an entry in ClinVar:

NM_017636.4(TRPM4):c.1476del (p.Gly494fs)

Gene: TRPM4 (transient receptor potential cation channel subfamily M member 4; plus strand). Cytogenetic location: 19q13.33.
Variant type: Deletion.
Coding change: c.1476del on transcript NM_017636.4 (MANE Select); coding-DNA position 1476, one base deleted (A; older notation c.1476delA).
Protein change: p.Gly494fs; shifts the reading frame from glycine 494.
Molecular consequence: frameshift variant. On other transcripts: 5 prime UTR variant (1).
Genome position (GRCh38, 1-based): chr19:49,182,790, A deleted; the last of 4 consecutive A bases (chr19:49,182,787-49,182,790); deleting any one gives the same sequence. VCF-style (leftmost placement, unchanged base first): chr19-49182786-TA-T. GRCh37 (hg19) VCF-style: chr19-49686043-TA-T.
Other names: c.1476del, p.Gly494fs (NM_001195227.2); c.1131del, p.Gly379fs (NM_001321281.2); c.-78del (NM_001321282.2); c.954del, p.Gly320fs (NM_001321283.2); c.414del, p.Gly140fs (NM_001321285.2); short protein forms G140fs, G320fs, G379fs, G494fs.
Identifiers: ClinVar variation 1316789 (VCV001316789.2), dbSNP rs2122935906, ClinGen allele CA2573054807.
Genomic context (GRCh38, chr19:49,182,786, plus strand): 5'-CGCTCATCCGCAACCTTTTGGACCAGGCGTCCCACAGCGCAGGCACCAAAGCCCCAGCCC[TA>T]AAAGGGGGAGCTGCGGAGCTCCGGCCCCCTGACGTGGGGCATGTGCTGAGGATGCTGCTG-3'

ClinVar aggregate classification (germline): Uncertain significance (1 of 4 stars; one submission).

Submission:

GeneDx
Classification: Uncertain significance. Last evaluated: 2019-04-30. Review status: criteria provided, single submitter. Criteria: GeneDx Variant Classification Process June 2021. Collection method: clinical testing. Allele origin: germline. Affected: yes.
Comment: Has not been previously published as pathogenic or benign to our knowledge; Not observed in large population cohorts (Lek et al., 2016); Frameshift variant predicted to result in nonsense mediated decay in a gene for which loss-of-function is not a known mechanism of disease